The following is an entry in ClinVar:

ClinVar aggregate classification (germline): Pathogenic (1 of 4 stars; one submission).

Conditions:
Retinoblastoma (RB1). Also called: RETINOBLASTOMA, SOMATIC. Identifiers: Orphanet 790, MedGen C0035335, MeSH D012175, MONDO:0008380, OMIM 180200, HP:0009919. Disease mechanism: loss of function. Inheritance: Both sporadic and heritable forms are tested..

Submission:

Genetic Diagnostic Laboratory, University of Pennsylvania School of Medicine
Classification: Pathogenic for Retinoblastoma. Last evaluated: 2024-05-20. Review status: criteria provided, single submitter. Criteria: ACMG Guidelines, 2015. Collection method: clinical testing. Allele origin: germline. Affected: yes. Observed: 1 variant allele.
Comment: Case and Pedigree Information: BILATERAL CASES:1, UNILATERAL CASES:0, TOTAL CASES:1, PEDIGREES:1. ACMG Codes Applied:PVS1, PM2

NM_000321.3(RB1):c.2126_2133delinsGAACACATG (p.Tyr709_Ile711delinsTer)

Gene: RB1 (RB transcriptional corepressor 1; plus strand). Cytogenetic location: 13q14.2.
Variant type: Indel.
Coding change: c.2126_2133delinsGAACACATG on transcript NM_000321.3 (MANE Select); coding-DNA positions 2126 to 2133, ATGGCATA replaced by GAACACATG.
Protein change: p.Tyr709_Ile711delinsTer.
Molecular consequence: nonsense.
Genome position (GRCh38, 1-based): chr13:48,463,750-48,463,757, ATGGCATA replaced by GAACACATG. VCF-style: chr13-48463750-ATGGCATA-GAACACATG. GRCh37 (hg19) VCF-style: chr13-49037886-ATGGCATA-GAACACATG.
Other names: c.2126_2133delinsGAACACATG, p.Tyr709_Ile711delinsTer (NM_001407165.1).
Identifiers: ClinVar variation 3237069 (VCV003237069.1), dbSNP rs2542373575.